The following is an entry in ClinVar:

NM_002968.3(SALL1):c.1510C>A (p.Pro504Thr)

Gene: SALL1 (spalt like transcription factor 1; minus strand). Cytogenetic location: 16q12.1.
Variant type: single nucleotide variant.
Coding change: c.1510C>A on transcript NM_002968.3 (MANE Select); coding-DNA position 1510, C replaced by A.
Protein change: p.Pro504Thr; replaces proline 504 with threonine.
Molecular consequence: missense variant.
Genome position (GRCh38, 1-based): chr16:51,140,712, G>T on the plus strand (C>A on the coding strand, the complement: SALL1 is on the minus strand). VCF-style: chr16-51140712-G-T. GRCh37 (hg19) VCF-style: chr16-51174623-G-T.
Other names: c.1219C>A, p.Pro407Thr (NM_001127892.2); short protein forms P407T, P504T.
Identifiers: ClinVar variation 1302948 (VCV001302948.4), dbSNP rs2143445740, ClinGen allele CA395888310.
Genomic context (GRCh38, chr16:51,140,712, plus strand): 5'-TACTCGTGGGGATATTGTCCAAATGCTCAGGCACAGGATAGGGGTTCATCTGGATATGAG[G>T]GTATTTCTCTTTGTGGCGCTGAAAGTGGACTTTCAGATTCCCCTTGGTGGAGAACCTGTT-3'
Protein context (NP_002959.2, residues 494-514): VHFQRHKEKY[Pro504Thr]HIQMNPYPVP

ClinVar aggregate classification (germline): Uncertain significance (1 of 4 stars; one submission).

Submission:

GeneDx
Classification: Uncertain significance. Last evaluated: 2025-02-03. Review status: criteria provided, single submitter. Criteria: GeneDx Variant Classification Process June 2021. Collection method: clinical testing. Allele origin: germline. Affected: yes.
Comment: Not observed at significant frequency in large population cohorts (gnomAD); In silico analysis supports that this missense variant has a deleterious effect on protein structure/function; Has not been previously published as pathogenic or benign to our knowledge